The following is an entry in ClinVar:

ClinVar aggregate classification (germline): Uncertain significance (1 of 4 stars; one submission).

Submission:

Labcorp Genetics (formerly Invitae), Labcorp
Classification: Uncertain significance. Last evaluated: 2022-10-25. Review status: criteria provided, single submitter. Criteria: Invitae Variant Classification Sherloc (09022015). Collection method: clinical testing. Allele origin: germline.
Comment: This sequence change replaces lysine, which is basic and polar, with asparagine, which is neutral and polar, at codon 49 of the TK2 protein (p.Lys49Asn). This variant is not present in population databases (gnomAD no frequency). This variant has not been reported in the literature in individuals affected with TK2-related conditions. Algorithms developed to predict the effect of missense changes on protein structure and function are either unavailable or do not agree on the potential impact of this missense change (SIFT: "Deleterious"; PolyPhen-2: "Benign"; Align-GVGD: "Class C0"). In summary, the available evidence is currently insufficient to determine the role of this variant in disease. Therefore, it has been classified as a Variant of Uncertain Significance.

NM_004614.5(TK2):c.147A>T (p.Lys49Asn)

Gene: TK2 (thymidine kinase 2; minus strand). Cytogenetic location: 16q21.
Variant type: single nucleotide variant.
Coding change: c.147A>T on transcript NM_004614.5 (MANE Select); coding-DNA position 147, A replaced by T.
Protein change: p.Lys49Asn; replaces lysine 49 with asparagine.
Molecular consequence: missense variant. On other transcripts: 5 prime UTR variant (2), non-coding transcript variant (1).
Genome position (GRCh38, 1-based): chr16:66,548,987, T>A on the plus strand (A>T on the coding strand, the complement: TK2 is on the minus strand). VCF-style: chr16-66548987-T-A. GRCh37 (hg19) VCF-style: chr16-66582890-T-A.
Other names: c.54A>T, p.Lys18Asn (NM_001172643.1, NM_001271935.1); c.147A>T, p.Lys49Asn (NM_001172644.2, NM_001172645.2); c.-96A>T (NM_001271934.2); c.-145A>T (NM_001272050.2); short protein forms K49N, K18N.
Identifiers: ClinVar variation 2088063 (VCV002088063.4), dbSNP rs2507208960, ClinGen allele CA396193267.